The following is an entry in ClinVar:

ClinVar aggregate classification (germline): Benign/Likely benign. Review status: criteria provided, multiple submitters, no conflicts (2 of 4 stars). 2 submissions from 2 submitters: Benign (1); Likely benign (1). Last evaluated 2025-12-03.

Conditions:
DNMT1-related disorder. Also called: DNMT1-related condition. Identifiers: MedGen CN381527.
Hereditary sensory neuropathy-deafness-dementia syndrome. Also called: Hereditary Sensory and Autonomic Neuropathy Type 1E (HSAN1E); NEUROPATHY, HEREDITARY SENSORY, WITH HEARING LOSS AND DEMENTIA; HSN IE; Hereditary sensory neuropathy type IE. Identifiers: Orphanet 456318, MedGen C3279885, MONDO:0013584, OMIM 614116.

Allele frequency attached by ClinVar (database versions not stated): ExAC 0.00003; 1000 Genomes Project 0.00040; 1000 Genomes Project 30x 0.00078.
gnomAD v4.1: 30 of 1,612,954 alleles (0.0019%); highest among the groups gnomAD compares: East Asian, 0.062%; no homozygotes.

Submissions (2):

Labcorp Genetics (formerly Invitae), Labcorp
Classification: Benign for Hereditary sensory neuropathy-deafness-dementia syndrome. Last evaluated: 2025-12-03. Review status: criteria provided, single submitter. Criteria: Invitae Variant Classification Sherloc (09022015). Collection method: clinical testing. Allele origin: germline.

PreventionGenetics, part of Exact Sciences
Classification: Likely benign for DNMT1-related condition. Last evaluated: 2025-11-11. Review status: criteria provided, single submitter. Criteria: ACMG Guidelines, 2015. Collection method: clinical testing. Allele origin: germline.
Comment: This variant is classified as likely benign based on ACMG/AMP sequence variant interpretation guidelines (Richards et al. 2015 PMID: 25741868, with internal and published modifications).

NM_001130823.3(DNMT1):c.81-6T>C

Genes: DNMT1 (DNA methyltransferase 1; minus strand), LOC107080555 (origin of replication in DNMT1; plus strand). Cytogenetic location: 19p13.2.
Variant type: single nucleotide variant.
Coding change: c.81-6T>C on transcript NM_001130823.3 (MANE Select); 6 bases into the intron before coding-DNA position 81, T replaced by C.
Molecular consequence: intron variant.
Genome position (GRCh38, 1-based): chr19:10,182,083, A>G on the plus strand (T>C on the coding strand, the complement: DNMT1 is on the minus strand). VCF-style: chr19-10182083-A-G. GRCh37 (hg19) VCF-style: chr19-10292759-A-G.
Other names: c.81-6T>C (NM_001130823.2, NM_001379.4, NM_001318730.2); c.-243-6T>C (NM_001318731.2).
Identifiers: ClinVar variation 1926398 (VCV001926398.6), dbSNP rs151154163, ClinGen allele CA9188851.